The following is an entry in ClinVar:

ClinVar aggregate classification (germline): Uncertain significance. Review status: criteria provided, multiple submitters, no conflicts (2 of 4 stars). 2 submissions from 2 submitters: Uncertain significance (2). Last evaluated 2024-10-22.

gnomAD v4.1: 12 of 1,613,722 alleles (0.00074%); highest among the groups gnomAD compares: Non-Finnish European, 0.001%; no homozygotes.

Submissions (2):

Labcorp Genetics (formerly Invitae), Labcorp
Classification: Uncertain significance. Last evaluated: 2024-10-22. Review status: criteria provided, single submitter. Criteria: Invitae Variant Classification Sherloc (09022015). Collection method: clinical testing. Allele origin: germline.
Comment: This sequence change replaces glutamic acid, which is acidic and polar, with glycine, which is neutral and non-polar, at codon 271 of the PDE6B protein (p.Glu271Gly). This variant is not present in population databases (gnomAD no frequency). This variant has not been reported in the literature in individuals affected with PDE6B-related conditions. ClinVar contains an entry for this variant (Variation ID: 859226). Invitae Evidence Modeling of protein sequence and biophysical properties (such as structural, functional, and spatial information, amino acid conservation, physicochemical variation, residue mobility, and thermodynamic stability) has been performed for this missense variant. However, the output from this modeling did not meet the statistical confidence thresholds required to predict the impact of this variant on PDE6B protein function. This variant disrupts the p.Glu271 amino acid residue in PDE6B. Other variant(s) that disrupt this residue have been determined to be pathogenic (PMID: 27353947, 30646425; internal data). This suggests that this residue is clinically significant, and that variants that disrupt this residue are likely to be disease-causing. In summary, the available evidence is currently insufficient to determine the role of this variant in disease. Therefore, it has been classified as a Variant of Uncertain Significance.

Blueprint Genetics
Classification: Uncertain significance. Last evaluated: 2019-08-21. Review status: criteria provided, single submitter. Criteria: ACMG Guidelines, 2015. Collection method: clinical testing. Allele origin: germline.

Literature cited by the submitters: PubMed 27353947 (cited by Labcorp Genetics (formerly Invitae), Labcorp); PubMed 30646425 (cited by Labcorp Genetics (formerly Invitae), Labcorp).

NM_000283.4(PDE6B):c.812A>G (p.Glu271Gly)

Genes: PDE6B (phosphodiesterase 6B; plus strand), PDE6B-AS1 (PDE6B antisense RNA 1; minus strand). Cytogenetic location: 4p16.3.
Variant type: single nucleotide variant.
Coding change: c.812A>G on transcript NM_000283.4 (MANE Select); coding-DNA position 812, A replaced by G.
Protein change: p.Glu271Gly; replaces glutamic acid 271 with glycine.
Molecular consequence: missense variant. On other transcripts: 5 prime UTR variant (5).
Genome position (GRCh38, 1-based): chr4:653,952, A>G. VCF-style: chr4-653952-A-G. GRCh37 (hg19) VCF-style: chr4-647741-A-G.
Other names: c.812A>G, p.Glu271Gly (NM_001145291.2); c.-26A>G (NM_001145292.2, NM_001350154.3, NM_001379246.1 and 1 more transcripts); c.-229A>G (NM_001350155.3); short protein forms E271G.
Identifiers: ClinVar variation 859226 (VCV000859226.10), dbSNP rs1365261261, ClinGen allele CA355911406.